The following is an entry in ClinVar:

NM_022124.6(CDH23):c.5149T>A (p.Cys1717Ser)

Gene: CDH23 (cadherin related 23; plus strand). Cytogenetic location: 10q22.1.
Variant type: single nucleotide variant.
Coding change: c.5149T>A on transcript NM_022124.6 (MANE Select); coding-DNA position 5149, T replaced by A.
Protein change: p.Cys1717Ser; replaces cysteine 1717 with serine.
Molecular consequence: missense variant.
Genome position (GRCh38, 1-based): chr10:71,778,270, T>A. VCF-style: chr10-71778270-T-A. GRCh37 (hg19) VCF-style: chr10-73538027-T-A.
Other names: short protein forms C1717S.
Identifiers: ClinVar variation 2260982 (VCV002260982.6), dbSNP rs552998089, ClinGen allele CA5545657.
Genomic context (GRCh38, chr10:71,778,270, plus strand): 5'-GAGCTGGACTACGAGATCAGCCACGGCCGCTACACCCTGATCGTCACTGCCACAGACCAG[T>A]GCCCCATCTTATCCCACCGCCTCACCTCTACCACCACGGTGGGTGCATGGGACACAGCCC-3'
Protein context (NP_071407.4, residues 1707-1727): YTLIVTATDQ[Cys1717Ser]PILSHRLTST

ClinVar aggregate classification (germline): Uncertain significance. Review status: criteria provided, multiple submitters, no conflicts (2 of 4 stars). 3 submissions from 3 submitters: Uncertain significance (2). 1 of the submissions does not count toward it. Last evaluated 2024-07-25.

Conditions:
Inborn genetic diseases. Identifiers: MedGen C0950123, MeSH D030342.
CDH23-related disorder. Also called: CDH23-related condition; CDH23-related disorders.

Allele frequency attached by ClinVar (database versions not stated): TOPMed 0.00003; gnomAD 0.00004; 1000 Genomes Project 30x 0.00016; 1000 Genomes Project 0.00020.
gnomAD v4.1: 15 of 1,613,860 alleles (0.00093%); highest among the groups gnomAD compares: African/African-American, 0.02%; no homozygotes.

Submissions (3):

Ambry Genetics
Classification: Uncertain significance for Inborn genetic diseases. Last evaluated: 2024-07-25. Review status: criteria provided, single submitter. Criteria: Ambry Variant Classification Scheme 2023. Collection method: clinical testing. Allele origin: germline.

Blueprint Genetics
Classification: Uncertain significance. Last evaluated: 2019-09-10. Review status: criteria provided, single submitter. Criteria: ACMG Guidelines, 2015. Collection method: clinical testing. Allele origin: germline.

PreventionGenetics, part of Exact Sciences
Classification: Uncertain significance for CDH23-related condition. Last evaluated: 2023-11-22. Review status: no assertion criteria provided. Collection method: clinical testing. Allele origin: germline. Not counted in ClinVar's aggregate classification.
Comment: The CDH23 c.5149T>A variant is predicted to result in the amino acid substitution p.Cys1717Ser. To our knowledge, this variant has not been reported in the literature. This variant is reported in 0.017% of alleles in individuals of African descent in gnomAD. A different nucleotide substitution affecting the same amino acid (p.Cys1717Arg) has been reported in a hearing loss cohort (Table S4, Sloan-Heggen et al. 2015. PubMed ID: 26445815). At this time, the clinical significance of the c.5149T>A (p.Cys1717Ser) variant is uncertain due to the absence of conclusive functional and genetic evidence.